The following is an entry in ClinVar:

ClinVar aggregate classification (germline): Uncertain significance (1 of 4 stars; one submission).

Submission:

Labcorp Genetics (formerly Invitae), Labcorp
Classification: Uncertain significance. Last evaluated: 2023-09-04. Review status: criteria provided, single submitter. Criteria: Invitae Variant Classification Sherloc (09022015). Collection method: clinical testing. Allele origin: germline.
Comment: This sequence change replaces valine, which is neutral and non-polar, with alanine, which is neutral and non-polar, at codon 159 of the SLC10A2 protein (p.Val159Ala). This variant is not present in population databases (gnomAD no frequency). In summary, the available evidence is currently insufficient to determine the role of this variant in disease. Therefore, it has been classified as a Variant of Uncertain Significance. An algorithm developed to predict the effect of missense changes on protein structure and function (PolyPhen-2) suggests that this variant is likely to be tolerated. This variant has not been reported in the literature in individuals affected with SLC10A2-related conditions.

NM_000452.3(SLC10A2):c.476T>C (p.Val159Ala)

Gene: SLC10A2 (solute carrier family 10 member 2; minus strand). Cytogenetic location: 13q33.1.
Variant type: single nucleotide variant.
Coding change: c.476T>C on transcript NM_000452.3 (MANE Select); coding-DNA position 476, T replaced by C.
Protein change: p.Val159Ala; replaces valine 159 with alanine.
Molecular consequence: missense variant.
Genome position (GRCh38, 1-based): chr13:103,058,284, A>G on the plus strand (T>C on the coding strand, the complement: SLC10A2 is on the minus strand). VCF-style: chr13-103058284-A-G. GRCh37 (hg19) VCF-style: chr13-103710634-A-G.
Other names: short protein forms V159A.
Identifiers: ClinVar variation 2757771 (VCV002757771.3), dbSNP rs2501826296, ClinGen allele CA388607997.